The following is an entry in ClinVar:

NM_031475.3(ESPN):c.2245C>T (p.Pro749Ser)

Gene: ESPN (espin; plus strand). Cytogenetic location: 1p36.31.
Variant type: single nucleotide variant.
Coding change: c.2245C>T on transcript NM_031475.3 (MANE Select); coding-DNA position 2245, C replaced by T.
Protein change: p.Pro749Ser; replaces proline 749 with serine.
Molecular consequence: missense variant.
Genome position (GRCh38, 1-based): chr1:6,452,016, C>T. VCF-style: chr1-6452016-C-T. GRCh37 (hg19) VCF-style: chr1-6512076-C-T.
Other names: c.2155C>T, p.Pro719Ser (NM_001367473.1); c.2182C>T, p.Pro728Ser (NM_001367474.1); short protein forms P719S, P749S, P728S.
Identifiers: ClinVar variation 1505360 (VCV001505360.9), dbSNP rs1177005438, ClinGen allele CA338099797.

ClinVar aggregate classification (germline): Uncertain significance. Review status: criteria provided, multiple submitters, no conflicts (2 of 4 stars). 3 submissions from 3 submitters: Uncertain significance (3). Last evaluated 2025-11-20.

Conditions:
Inborn genetic diseases. Identifiers: MedGen C0950123, MeSH D030342.

Allele frequency attached by ClinVar (database versions not stated): gnomAD 0.00001; gnomAD exomes below 0.00001 and 0.00001; TOPMed 0.00001.
gnomAD v4.1: 4 of 1,597,576 alleles (0.00025%); highest among the groups gnomAD compares: Admixed American, 0.0017%; no homozygotes.

Submissions (3):

Ambry Genetics
Classification: Uncertain significance for Inborn genetic diseases. Last evaluated: 2025-11-20. Review status: criteria provided, single submitter. Criteria: Ambry Variant Classification Scheme 2023. Collection method: clinical testing. Allele origin: germline.

GeneDx
Classification: Uncertain significance. Last evaluated: 2024-10-07. Review status: criteria provided, single submitter. Criteria: GeneDx Variant Classification Process June 2021. Collection method: clinical testing. Allele origin: germline.
Comment: In silico analysis supports that this missense variant has a deleterious effect on protein structure/function; Has not been previously published as pathogenic or benign to our knowledge

Labcorp Genetics (formerly Invitae), Labcorp
Classification: Uncertain significance. Last evaluated: 2022-08-18. Review status: criteria provided, single submitter. Criteria: Invitae Variant Classification Sherloc (09022015). Collection method: clinical testing. Allele origin: germline.
Comment: Algorithms developed to predict the effect of missense changes on protein structure and function are either unavailable or do not agree on the potential impact of this missense change (SIFT: "Tolerated"; PolyPhen-2: "Probably Damaging"; Align-GVGD: "Class C15"). In summary, the available evidence is currently insufficient to determine the role of this variant in disease. Therefore, it has been classified as a Variant of Uncertain Significance. ClinVar contains an entry for this variant (Variation ID: 1505360). This variant has not been reported in the literature in individuals affected with ESPN-related conditions. The frequency data for this variant in the population databases is considered unreliable, as metrics indicate poor data quality at this position in the gnomAD database. This sequence change replaces proline, which is neutral and non-polar, with serine, which is neutral and polar, at codon 749 of the ESPN protein (p.Pro749Ser).